The following is an entry in ClinVar:

ClinVar aggregate classification (germline): Uncertain significance (1 of 4 stars; one submission).

Submission:

Ambry Genetics
Classification: Uncertain significance. Last evaluated: 2024-11-06. Review status: criteria provided, single submitter. Criteria: Ambry Variant Classification Scheme 2023. Collection method: clinical testing. Allele origin: germline.
Comment: The p.Q388E variant (also known as c.1162C>G), located in coding exon 3 of the TERF2IP gene, results from a C to G substitution at nucleotide position 1162. The glutamine at codon 388 is replaced by glutamic acid, an amino acid with highly similar properties. This amino acid position is conserved. In addition, this alteration is predicted to be tolerated by in silico analysis. Since supporting evidence is limited at this time, the clinical significance of this alteration remains unclear.

NM_018975.4(TERF2IP):c.1162C>G (p.Gln388Glu)

Gene: TERF2IP (TERF2 interacting protein; plus strand). Cytogenetic location: 16q23.1.
Variant type: single nucleotide variant.
Coding change: c.1162C>G on transcript NM_018975.4 (MANE Select); coding-DNA position 1162, C replaced by G.
Protein change: p.Gln388Glu; replaces glutamine 388 with glutamic acid.
Molecular consequence: missense variant. On other transcripts: non-coding transcript variant (1).
Genome position (GRCh38, 1-based): chr16:75,656,573, C>G. VCF-style: chr16-75656573-C-G. GRCh37 (hg19) VCF-style: chr16-75690471-C-G.
Other names: short protein forms Q388E.
Identifiers: ClinVar variation 1737155 (VCV001737155.3), dbSNP rs564238180, ClinGen allele CA284340320.